The following is an entry in ClinVar:

NM_020533.3(MCOLN1):c.1687C>T (p.Leu563Phe)

Gene: MCOLN1 (mucolipin TRP cation channel 1; plus strand). Cytogenetic location: 19p13.2.
Variant type: single nucleotide variant.
Coding change: c.1687C>T on transcript NM_020533.3 (MANE Select); coding-DNA position 1687, C replaced by T.
Protein change: p.Leu563Phe; replaces leucine 563 with phenylalanine.
Molecular consequence: missense variant.
Genome position (GRCh38, 1-based): chr19:7,533,634, C>T. VCF-style: chr19-7533634-C-T. GRCh37 (hg19) VCF-style: chr19-7598520-C-T.
Other names: short protein forms L563F.
Identifiers: ClinVar variation 4703458 (VCV004703458.1).
Genomic context (GRCh38, chr19:7,533,634, plus strand): 5'-CAGTGCCAGGACAGCCCCACCTCCGGCAAGTTCCGCCGCGGGAGCGGCTCGGCCTGCAGC[C>T]TTCTCTGCTGCTGCGGAAGGTTCGAGTCCCGGGTCTGGCACATTCAGATTGGAGGTTAGG-3'
Protein context (NP_065394.1, residues 553-573): FRRGSGSACS[Leu563Phe]LCCCGRDPSE

ClinVar aggregate classification (germline): Uncertain significance (1 of 4 stars; one submission).

Conditions:
Mucolipidosis type IV (ML4). Also called: ML IV. Identifiers: Orphanet 578, MedGen C0238286, MONDO:0009653, OMIM 252650.

gnomAD v4.1: 3 of 1,612,860 alleles (0.00019%); highest among the groups gnomAD compares: Non-Finnish European, 0.00025%; no homozygotes.

Submission:

Labcorp Genetics (formerly Invitae), Labcorp
Classification: Uncertain significance for Mucolipidosis type IV. Last evaluated: 2025-05-15. Review status: criteria provided, single submitter. Criteria: Invitae Variant Classification Sherloc (09022015). Collection method: clinical testing. Allele origin: germline.
Comment: This sequence change replaces leucine, which is neutral and non-polar, with phenylalanine, which is neutral and non-polar, at codon 563 of the MCOLN1 protein (p.Leu563Phe). This variant is not present in population databases (gnomAD no frequency). This variant has not been reported in the literature in individuals affected with MCOLN1-related conditions. Invitae Evidence Modeling of protein sequence and biophysical properties (such as structural, functional, and spatial information, amino acid conservation, physicochemical variation, residue mobility, and thermodynamic stability) indicates that this missense variant is not expected to disrupt MCOLN1 protein function with a negative predictive value of 95%. In summary, the available evidence is currently insufficient to determine the role of this variant in disease. Therefore, it has been classified as a Variant of Uncertain Significance.